The following is an entry in ClinVar:

NM_000093.5(COL5A1):c.4408C>G (p.Pro1470Ala)

Gene: COL5A1 (collagen type V alpha 1 chain; plus strand). Cytogenetic location: 9q34.3.
Variant type: single nucleotide variant.
Coding change: c.4408C>G on transcript NM_000093.5 (MANE Select); coding-DNA position 4408, C replaced by G.
Protein change: p.Pro1470Ala; replaces proline 1470 with alanine.
Molecular consequence: missense variant.
Genome position (GRCh38, 1-based): chr9:134,819,015, C>G. VCF-style: chr9-134819015-C-G. GRCh37 (hg19) VCF-style: chr9-137710861-C-G.
Other names: c.4408C>G, p.Pro1470Ala (NM_001278074.1); short protein forms P1470A.
Identifiers: ClinVar variation 2000075 (VCV002000075.4), dbSNP rs1838885401, ClinGen allele CA375457502.

ClinVar aggregate classification (germline): Uncertain significance (1 of 4 stars; one submission).

Conditions:
Ehlers-Danlos syndrome, classic type, 1 (EDSCL1). Also called: EHLERS-DANLOS SYNDROME, GRAVIS TYPE; EHLERS-DANLOS SYNDROME, SEVERE CLASSIC TYPE; Ehlers-Danlos syndrome, type 1; EDS I; Ehlers-Danlos Syndrome, Classic Type, COL5A1-Related. Identifiers: MedGen C0268335, MONDO:0019567, OMIM 130000.

Submission:

Labcorp Genetics (formerly Invitae), Labcorp
Classification: Uncertain significance for Ehlers-Danlos syndrome, classic type, 1. Last evaluated: 2022-05-28. Review status: criteria provided, single submitter. Criteria: Invitae Variant Classification Sherloc (09022015). Collection method: clinical testing. Allele origin: germline.
Comment: This sequence change replaces proline, which is neutral and non-polar, with alanine, which is neutral and non-polar, at codon 1470 of the COL5A1 protein (p.Pro1470Ala). This variant is not present in population databases (gnomAD no frequency). This variant has not been reported in the literature in individuals affected with COL5A1-related conditions. Advanced modeling of protein sequence and biophysical properties (such as structural, functional, and spatial information, amino acid conservation, physicochemical variation, residue mobility, and thermodynamic stability) performed at Invitae indicates that this missense variant is not expected to disrupt COL5A1 protein function. In summary, the available evidence is currently insufficient to determine the role of this variant in disease. Therefore, it has been classified as a Variant of Uncertain Significance.